The following is an entry in ClinVar:

ClinVar aggregate classification (germline): Likely pathogenic (1 of 4 stars; one submission).

Conditions:
Early-infantile DEE. Also called: Ohtahara syndrome; Early infantile epileptic encephalopathy with suppression bursts; Early infantile epileptic encephalopathy. Identifiers: Orphanet 1934, MedGen C0393706, MONDO:0800491.

Submission:

Labcorp Genetics (formerly Invitae), Labcorp
Classification: Likely pathogenic for Early-infantile DEE. Last evaluated: 2022-09-27. Review status: criteria provided, single submitter. Criteria: Invitae Variant Classification Sherloc (09022015). Collection method: clinical testing. Allele origin: germline.
Comment: This missense change has been observed in individual(s) with clinical features of SCN1A-related conditions (Invitae). In summary, the currently available evidence indicates that the variant is pathogenic, but additional data are needed to prove that conclusively. Therefore, this variant has been classified as Likely Pathogenic. This variant disrupts the p.Cys351 amino acid residue in SCN1A. Other variant(s) that disrupt this residue have been observed in individuals with SCN1A-related conditions (PMID: 21248271, 26169758, 34338318), which suggests that this may be a clinically significant amino acid residue. Advanced modeling of protein sequence and biophysical properties (such as structural, functional, and spatial information, amino acid conservation, physicochemical variation, residue mobility, and thermodynamic stability) performed at Invitae indicates that this missense variant is expected to disrupt SCN1A protein function. This variant is not present in population databases (gnomAD no frequency). This sequence change replaces cysteine, which is neutral and slightly polar, with glycine, which is neutral and non-polar, at codon 351 of the SCN1A protein (p.Cys351Gly).

Literature cited by the submitters: PubMed 21248271; PubMed 26169758; PubMed 34338318.

NM_001165963.4(SCN1A):c.1051T>G (p.Cys351Gly)

Gene: SCN1A (sodium voltage-gated channel alpha subunit 1; minus strand). Cytogenetic location: 2q24.3.
Variant type: single nucleotide variant.
Coding change: c.1051T>G on transcript NM_001165963.4 (MANE Select); coding-DNA position 1051, T replaced by G.
Protein change: p.Cys351Gly; replaces cysteine 351 with glycine.
Molecular consequence: missense variant. On other transcripts: 5 prime UTR variant (1), non-coding transcript variant (1).
Genome position (GRCh38, 1-based): chr2:166,047,746, A>C on the plus strand (T>G on the coding strand, the complement: SCN1A is on the minus strand). VCF-style: chr2-166047746-A-C. GRCh37 (hg19) VCF-style: chr2-166904256-A-C.
Other names: c.1051T>G, p.Cys351Gly (NM_001165964.3, NM_001202435.3, NM_001353948.2 and 10 more transcripts); c.-1375T>G (NM_001353961.2); short protein forms C351G.
Identifiers: ClinVar variation 2032918 (VCV002032918.4), dbSNP rs2105868016, ClinGen allele CA349071404.